The following is an entry in ClinVar:

NM_001278116.2(L1CAM):c.3658_3660del (p.Asn1220del)

Gene: L1CAM (L1 cell adhesion molecule; minus strand). Cytogenetic location: Xq28.
Variant type: Deletion.
Coding change: c.3658_3660del on transcript NM_001278116.2 (MANE Select); coding-DNA positions 3658 to 3660, 3 bases deleted (AAC; older notation c.3658_3660delAAC).
Protein change: p.Asn1220del; deletes asparagine 1220.
Genome position (GRCh38, 1-based): chrX:153,862,777-153,862,779, GTT deleted on the plus strand (AAC on the coding strand, the reverse complement: L1CAM is on the minus strand); deleting any 3 consecutive bases within chrX:153,862,777-153,862,780 gives the same sequence; the c. name uses the placement nearest the transcript's 3' end. VCF-style (leftmost placement, unchanged base first): chrX-153862776-CGTT-C. GRCh37 (hg19) VCF-style: chrX-153128231-CGTT-C.
Other names: c.3658_3660del, p.Asn1220del (NM_000425.5); c.3631_3633del, p.Asn1211del (NM_001143963.2); c.3646_3648del, p.Asn1216del (NM_024003.3); short protein forms N1211del, N1216del, N1220del.
Identifiers: ClinVar variation 4083263 (VCV004083263.1).
Genomic context (GRCh38, chrX:153,862,776, plus strand): 5'-TGCCCCCTGCCGCCTCCTTCTCCTTCTTGCCACTGTACTGGCCAATGAACGAACCATCCT[CGTT>C]GAACTGAACATCCACGCTGCCCCCATAATCGGCCAGGCTGTCGTCACTGCCCAGGGGCTT-3'

ClinVar aggregate classification (germline): Uncertain significance (1 of 4 stars; one submission).

Submission:

GeneDx
Classification: Uncertain significance. Last evaluated: 2025-03-12. Review status: criteria provided, single submitter. Criteria: GeneDx Variant Classification Process June 2021. Collection method: clinical testing. Allele origin: germline. Affected: yes.
Comment: Not observed at significant frequency in large population cohorts (gnomAD); In-frame deletion of 1 amino acid in a non-repeat region; In silico analysis supports a deleterious effect on protein structure/function; Has not been previously published as pathogenic or benign to our knowledge